The following is an entry in ClinVar:

ClinVar aggregate classification (germline): Uncertain significance (1 of 4 stars; one submission).

Conditions:
SRRM2-related disorder. Also called: SRRM2-related condition.

gnomAD v4.1: 2 of 1,614,020 alleles (0.00012%); highest among the groups gnomAD compares: South Asian, 0.0011%; no homozygotes.

Submission:

PreventionGenetics, part of Exact Sciences
Classification: Uncertain significance for SRRM2-related condition. Last evaluated: 2025-01-13. Review status: criteria provided, single submitter. Criteria: ACMG Guidelines, 2015. Collection method: clinical testing. Allele origin: germline.
Comment: The SRRM2 c.5249C>G variant is predicted to result in the amino acid substitution p.Ser1750Cys. To our knowledge, this variant has not been reported in the literature or in a large population database (gnomAD), indicating this variant is rare. At this time, the clinical significance of this variant is uncertain due to the absence of conclusive functional and genetic evidence.

NM_016333.4(SRRM2):c.5249C>G (p.Ser1750Cys)

Gene: SRRM2 (serine/arginine repetitive matrix 2; plus strand). Cytogenetic location: 16p13.3.
Variant type: single nucleotide variant.
Coding change: c.5249C>G on transcript NM_016333.4 (MANE Select); coding-DNA position 5249, C replaced by G.
Protein change: p.Ser1750Cys; replaces serine 1750 with cysteine.
Molecular consequence: missense variant.
Genome position (GRCh38, 1-based): chr16:2,765,777, C>G. VCF-style: chr16-2765777-C-G. GRCh37 (hg19) VCF-style: chr16-2815778-C-G.
Other names: short protein forms S1750C.
Identifiers: ClinVar variation 5001522 (VCV005001522.1).